The following is an entry in ClinVar:

NM_001939.3(DRP2):c.1633C>A (p.Leu545Met)

Gene: DRP2 (dystrophin related protein 2; plus strand). Cytogenetic location: Xq22.1.
Variant type: single nucleotide variant.
Coding change: c.1633C>A on transcript NM_001939.3 (MANE Select); coding-DNA position 1633, C replaced by A.
Protein change: p.Leu545Met; replaces leucine 545 with methionine.
Molecular consequence: missense variant.
Genome position (GRCh38, 1-based): chrX:101,250,515, C>A. VCF-style: chrX-101250515-C-A. GRCh37 (hg19) VCF-style: chrX-100505504-C-A.
Other names: c.1399C>A, p.Leu467Met (NM_001171184.2); short protein forms L545M, L467M.
Identifiers: ClinVar variation 2011518 (VCV002011518.4), dbSNP rs2520281210, ClinGen allele CA413928733.

ClinVar aggregate classification (germline): Uncertain significance (1 of 4 stars; one submission).

Submission:

Labcorp Genetics (formerly Invitae), Labcorp
Classification: Uncertain significance. Last evaluated: 2022-06-27. Review status: criteria provided, single submitter. Criteria: Invitae Variant Classification Sherloc (09022015). Collection method: clinical testing. Allele origin: germline.
Comment: In summary, the available evidence is currently insufficient to determine the role of this variant in disease. Therefore, it has been classified as a Variant of Uncertain Significance. Algorithms developed to predict the effect of missense changes on protein structure and function are either unavailable or do not agree on the potential impact of this missense change (SIFT: "Deleterious"; PolyPhen-2: "Probably Damaging"; Align-GVGD: "Class C0"). This variant has not been reported in the literature in individuals affected with DRP2-related conditions. This variant is not present in population databases (gnomAD no frequency). This sequence change replaces leucine, which is neutral and non-polar, with methionine, which is neutral and non-polar, at codon 545 of the DRP2 protein (p.Leu545Met).